The following is an entry in ClinVar:

ClinVar aggregate classification (germline): Conflicting classifications of pathogenicity. Review status: criteria provided, conflicting classifications (1 of 4 stars). 4 submissions from 4 submitters: Likely pathogenic (2); Uncertain significance (2). Last evaluated 2025-10-09.

Conditions:
Hereditary cancer-predisposing syndrome. Also called: Tumor predisposition; Hereditary Cancer Syndrome; Hereditary neoplastic syndrome; Neoplastic Syndromes, Hereditary. Identifiers: Orphanet 140162, MedGen C0027672, MeSH D009386, MONDO:0015356.
Familial adenomatous polyposis 2. Also called: COLORECTAL ADENOMATOUS POLYPOSIS, AUTOSOMAL RECESSIVE; MUTYH Polyposis; MUTYH-associated polyposis; MUTYH-related attenuated familial adenomatous polyposis; Adenomas, multiple colorectal; ADENOMAS, MULTIPLE COLORECTAL, AUTOSOMAL RECESSIVE. Identifiers: Orphanet 220460, Orphanet 247798, MedGen C3272841, MONDO:0012041, OMIM 608456.

Submissions (4):

Labcorp Genetics (formerly Invitae), Labcorp
Classification: Uncertain significance for Familial adenomatous polyposis 2. Last evaluated: 2025-10-09. Review status: criteria provided, single submitter. Criteria: Invitae Variant Classification Sherloc (09022015). Collection method: clinical testing. Allele origin: germline.
Comment: This sequence change replaces glycine, which is neutral and non-polar, with serine, which is neutral and polar, at codon 396 of the MUTYH protein (p.Gly396Ser). This variant also falls at the last nucleotide of exon 12, which is part of the consensus splice site for this exon. This variant is not present in population databases (gnomAD no frequency). This variant has not been reported in the literature in individuals affected with MUTYH-related conditions. This variant is also known as c.1144G>A. ClinVar contains an entry for this variant (Variation ID: 421574). An algorithm developed to predict the effect of missense changes on protein structure and function (PolyPhen-2) suggests that this variant is likely to be disruptive. Variants that disrupt the consensus splice site are a relatively common cause of aberrant splicing (PMID: 17576681, 9536098). Algorithms developed to predict the effect of sequence changes on RNA splicing suggest that this variant may disrupt the consensus splice site. This variant disrupts the p.Gly396 amino acid residue in MUTYH. Other variant(s) that disrupt this residue have been determined to be pathogenic (PMID: 11818965, 16557584, 17489848, 19793053, 23035301). This suggests that this residue is clinically significant, and that variants that disrupt this residue are likely to be disease-causing. In summary, the available evidence is currently insufficient to determine the role of this variant in disease. Therefore, it has been classified as a Variant of Uncertain Significance.

Ambry Genetics
Classification: Likely pathogenic for Hereditary cancer-predisposing syndrome. Last evaluated: 2025-02-26. Review status: criteria provided, single submitter. Criteria: Ambry Variant Classification Scheme 2023. Collection method: clinical testing. Allele origin: germline.
Comment: The c.1186G>A variant (also known as p.G396S), located in coding exon 12 of the MUTYH gene, results from a G to A substitution at nucleotide position 1186. The amino acid change results in glycine to serine at codon 396, an amino acid with similar properties. However, this change occurs in the last base pair of coding exon 12, which makes it likely to have some effect on normal mRNA splicing. This variant has been identified in the homozygous state and/or in conjunction with other MUTYH variant in an individual with features consistent with MUTYH-associated polyposis (External communication). This variant is considered to be rare based on population cohorts in the Genome Aggregation Database (gnomAD).This nucleotide position is highly conserved in available vertebrate species. In silico splice site analysis predicts that this alteration will weaken the native splice donor site; however, direct evidence is insufficient at this time (Ambry internal data). Based on the majority of available evidence to date, this variant is likely to be pathogenic.

Baylor Genetics
Classification: Uncertain significance for Familial adenomatous polyposis 2. Last evaluated: 2023-12-30. Review status: criteria provided, single submitter. Criteria: ACMG Guidelines, 2015. Collection method: clinical testing. Allele origin: unknown.

GeneDx
Classification: Likely pathogenic. Last evaluated: 2018-04-12. Review status: criteria provided, single submitter. Criteria: GeneDx Variant Classification (06012015). Collection method: clinical testing. Allele origin: germline. Affected: yes.
Comment: This variant is denoted MUTYH c.1186G>A at the cDNA level, p.Gly396Ser (G396S) at the protein level, and results in the change of a Glycine to a Serine (GGT>AGT). Using alternate nomenclature, this variant would be defined as MUTYH 1144G>A (Gly382Ser). This variant has not, to our knowledge, been published in the literature as pathogenic or benign. MUTYH Gly396Ser was not observed in large population cohorts (Lek 2016). MUTYH Gly396Ser is located in the Nudix hydrolase domain (Ruggieri 2013). Protein-based in silico analysis, which includes protein predictors and evolutionary conservation, supports a deleterious effect. In addition, this variant occurs at the final nucleotide of its exon, and multiple splicing models predict it may destroy the nearby natural splice donor site. However, in the absence of RNA or functional studies, the actual effect of this variant is unknown. Finally, this variant occurs at the same residue as the common pathogenic variant MUTYH Gly396Asp, another non-conservative amino acid substitution. Based on the currently available evidence, we consider MUTYH Gly396Ser to be a likely pathogenic variant. Of note, MUTYH-Associated Polyposis (MAP) is a recessive condition associated with two pathogenic variants on opposite chromosomes in MUTYH.

Literature cited by the submitters: PubMed 17576681 (cited by Labcorp Genetics (formerly Invitae), Labcorp); PubMed 9536098 (cited by Labcorp Genetics (formerly Invitae), Labcorp); PubMed 11818965 (cited by Labcorp Genetics (formerly Invitae), Labcorp); PubMed 16557584 (cited by Labcorp Genetics (formerly Invitae), Labcorp); PubMed 17489848 (cited by Labcorp Genetics (formerly Invitae), Labcorp); PubMed 19793053 (cited by Labcorp Genetics (formerly Invitae), Labcorp); PubMed 23035301 (cited by Labcorp Genetics (formerly Invitae), Labcorp).

NM_001048174.2(MUTYH):c.1102G>A (p.Gly368Ser)

Gene: MUTYH (mutY DNA glycosylase; minus strand). Cytogenetic location: 1p34.1.
Variant type: single nucleotide variant.
Coding change: c.1102G>A on transcript NM_001048174.2 (MANE Select); coding-DNA position 1102, G replaced by A.
Protein change: p.Gly368Ser; replaces glycine 368 with serine.
Molecular consequence: missense variant. On other transcripts: non-coding transcript variant (2).
Genome position (GRCh38, 1-based): chr1:45,331,661, C>T on the plus strand (G>A on the coding strand, the complement: MUTYH is on the minus strand). VCF-style: chr1-45331661-C-T. GRCh37 (hg19) VCF-style: chr1-45797333-C-T.
Other names: c.1102G>A, p.Gly368Ser (NM_001048171.2, NM_001048173.2, NM_001293195.2); c.1105G>A, p.Gly369Ser (NM_001048172.2); c.1186G>A, p.Gly396Ser (NM_001128425.2); c.1147G>A, p.Gly383Ser (NM_001293190.2); c.1135G>A, p.Gly379Ser (NM_001293191.2); c.826G>A, p.Gly276Ser (NM_001293192.2, NM_001293196.2); c.757G>A, p.Gly253Ser (NM_001350650.2, NM_001350651.2); c.1177G>A, p.Gly393Ser (NM_012222.3); short protein forms G396S, G368S, G276S, G393S, G379S, G383S, G253S, G369S.
Identifiers: ClinVar variation 421574 (VCV000421574.5), dbSNP rs1064795219, ClinGen allele CA16617156.